The following is an entry in ClinVar:

NM_013275.6(ANKRD11):c.6560C>T (p.Pro2187Leu)

Gene: ANKRD11 (ankyrin repeat domain 11; minus strand). Cytogenetic location: 16q24.3.
Variant type: single nucleotide variant.
Coding change: c.6560C>T on transcript NM_013275.6 (MANE Select); coding-DNA position 6560, C replaced by T.
Protein change: p.Pro2187Leu; replaces proline 2187 with leucine.
Molecular consequence: missense variant.
Genome position (GRCh38, 1-based): chr16:89,279,982, G>A on the plus strand (C>T on the coding strand, the complement: ANKRD11 is on the minus strand). VCF-style: chr16-89279982-G-A. GRCh37 (hg19) VCF-style: chr16-89346390-G-A.
Other names: c.6560C>T (NM_013275.4); c.6560C>T, p.Pro2187Leu (NM_001256182.2, NM_001256183.2); short protein forms P2187L.
Identifiers: ClinVar variation 706361 (VCV000706361.35), dbSNP rs202216051, ClinGen allele CA8241402.
Genomic context (GRCh38, chr16:89,279,982, plus strand): 5'-GGCTCAGGCTCGAGCTCTGCAGGGAGCCGGGTGGAGGCCTGGTCAGGAGGCAGTGCCGGC[G>A]GCTCCTCAGCCACTACGGTGGAAACATCCCCACCGTTTATGACCCCGGGGGCCCCTGGAG-3'
Protein context (NP_037407.4, residues 2177-2197): GDVSTVVAEE[Pro2187Leu]PALPPDQAST

ClinVar aggregate classification (germline): Benign/Likely benign. Review status: criteria provided, multiple submitters, no conflicts (2 of 4 stars). 7 submissions from 7 submitters: Benign (2); Likely benign (4). 1 of the submissions does not count toward it. Last evaluated 2025-09-24.

Conditions:
ANKRD11-related disorder. Also called: ANKRD11-related condition.
Inborn genetic diseases. Identifiers: MedGen C0950123, MeSH D030342.
KBG syndrome (KBGS). Also called: ANKRD11-Related KBG Syndrome. Identifiers: Orphanet 2332, MedGen C0220687, MONDO:0007846, OMIM 148050.

Allele frequency attached by ClinVar (database versions not stated): gnomAD exomes 0.00018; ExAC 0.00020; ESP Exome Variant Server 0.00049; 1000 Genomes Project 0.00060; gnomAD 0.00076 and 0.00086; TOPMed 0.00084; 1000 Genomes Project 30x 0.00094.
gnomAD v4.1: 251 of 1,611,338 alleles (0.016%); highest among the groups gnomAD compares: African/African-American, 0.28%; 1 homozygote.

Submissions (7):

Labcorp Genetics (formerly Invitae), Labcorp
Classification: Likely benign for KBG syndrome. Last evaluated: 2025-09-24. Review status: criteria provided, single submitter. Criteria: Invitae Variant Classification Sherloc (09022015). Collection method: clinical testing. Allele origin: germline.

Blueprint Genetics
Classification: Likely benign. Last evaluated: 2024-10-22. Review status: criteria provided, single submitter. Criteria: ACMG Guidelines, 2015. Collection method: clinical testing. Allele origin: germline.

CeGaT Center for Human Genetics Tuebingen
Classification: Likely benign. Last evaluated: 2024-05-01. Review status: criteria provided, single submitter. Criteria: CeGaT Center For Human Genetics Tuebingen Variant Classification Criteria Version 2. Collection method: clinical testing. Allele origin: germline. Affected: yes. Observed: 1 variant allele.
Comment: ANKRD11: BP4, BS1

Genome-Nilou Lab
Classification: Benign for KBG syndrome. Last evaluated: 2021-12-05. Review status: criteria provided, single submitter. Criteria: ACMG Guidelines, 2015. Collection method: clinical testing. Allele origin: germline. Affected: no.

GeneDx
Classification: Benign. Last evaluated: 2020-08-28. Review status: criteria provided, single submitter. Criteria: GeneDx Variant Classification Process June 2021. Collection method: clinical testing. Allele origin: germline. Affected: yes.

Ambry Genetics
Classification: Likely benign for Inborn genetic diseases. Last evaluated: 2017-12-18. Review status: criteria provided, single submitter. Criteria: Ambry Variant Classification Scheme 2023. Collection method: clinical testing. Allele origin: germline.

PreventionGenetics, part of Exact Sciences
Classification: Likely benign for ANKRD11-related condition. Last evaluated: 2019-09-24. Review status: no assertion criteria provided. Collection method: clinical testing. Allele origin: germline. Not counted in ClinVar's aggregate classification.
Comment: This variant is classified as likely benign based on ACMG/AMP sequence variant interpretation guidelines (Richards et al. 2015 PMID: 25741868, with internal and published modifications).